The following is an entry in ClinVar:

ClinVar aggregate classification (germline): Likely pathogenic (1 of 4 stars; one submission).

Conditions:
Dilated cardiomyopathy 1G (CMD1G). Identifiers: Orphanet 154, MedGen C1858763, MONDO:0011400, OMIM 604145.
Autosomal recessive limb-girdle muscular dystrophy type 2J (LGMDR10). Also called: Limb-girdle muscular dystrophy, type 2J; MUSCULAR DYSTROPHY, LIMB-GIRDLE, AUTOSOMAL RECESSIVE 10. Identifiers: Orphanet 140922, MedGen C1837342, MONDO:0012127, OMIM 608807.

Submission:

Labcorp Genetics (formerly Invitae), Labcorp
Classification: Likely pathogenic for Dilated cardiomyopathy 1G; Autosomal recessive limb-girdle muscular dystrophy type 2J. Last evaluated: 2025-01-23. Review status: criteria provided, single submitter. Criteria: Invitae Variant Classification Sherloc (09022015). Collection method: clinical testing. Allele origin: germline.
Comment: This sequence change creates a premature translational stop signal (p.Trp19009*) in the TTN gene. While this is not anticipated to result in nonsense mediated decay, it is expected to create a truncated TTN protein. This variant is not present in population databases (gnomAD no frequency). This variant has not been reported in the literature in individuals affected with TTN-related conditions. This variant is located in the A band of TTN (PMID: 25589632). Truncating variants in this region are significantly overrepresented in patients affected with dilated cardiomyopathy (PMID: 25589632). Truncating variants in this region have also been reported in individuals affected with autosomal recessive centronuclear myopathy (PMID: 23975875). In summary, the currently available evidence indicates that the variant is pathogenic, but additional data are needed to prove that conclusively. Therefore, this variant has been classified as Likely Pathogenic.

Literature cited by the submitters: PubMed 25589632; PubMed 23975875.

NM_001267550.2(TTN):c.57026G>A (p.Trp19009Ter)

Genes: TTN-AS1 (TTN antisense RNA 1; plus strand), TTN (titin; minus strand). Cytogenetic location: 2q31.2.
Variant type: single nucleotide variant.
Coding change: c.57026G>A on transcript NM_001267550.2 (MANE Select); coding-DNA position 57026, G replaced by A.
Protein change: p.Trp19009Ter; replaces tryptophan 19009 with a stop codon.
Molecular consequence: nonsense. On other transcripts: non-coding transcript variant (1).
Genome position (GRCh38, 1-based): chr2:178,598,591, C>T on the plus strand (G>A on the coding strand, the complement: TTN is on the minus strand). VCF-style: chr2-178598591-C-T. GRCh37 (hg19) VCF-style: chr2-179463318-C-T.
Other names: c.52103G>A, p.Trp17368Ter (NM_001256850.1); c.29831G>A, p.Trp9944Ter (NM_003319.4); c.49322G>A, p.Trp16441Ter (NM_133378.4); c.30206G>A, p.Trp10069Ter (NM_133432.3); c.30407G>A, p.Trp10136Ter (NM_133437.4); short protein forms W10069*, W10136*, W16441*, W17368*, W19009*, W9944*.
Identifiers: ClinVar variation 3760269 (VCV003760269.2).
Genomic context (GRCh38, chr2:178,598,591, plus strand): 5'-TCTTTATATTCAACGATGTATCCAGTTACTTTGGATCCACCATCTTTTAGTGGGGGAGAC[C>T]ACTCCAGATCTGCAGATGATTTAGTCCAATCTGTCACTTTGGGAAATGGAGGACCAGGAG-3'